The following is an entry in ClinVar:

ClinVar aggregate classification (germline): Uncertain significance (1 of 4 stars; one submission).

Conditions:
Primary dilated cardiomyopathy (DCM). Also called: Dilated Cardiomyopathy. Identifiers: Orphanet 217604, MedGen C0007193, MeSH D002311, MONDO:0005021, HP:0001644. Inheritance: Various modes of inheritance.

Allele frequency attached by ClinVar (database versions not stated): gnomAD exomes below 0.00001.

Submission:

Labcorp Genetics (formerly Invitae), Labcorp
Classification: Uncertain significance for Primary dilated cardiomyopathy. Last evaluated: 2024-04-01. Review status: criteria provided, single submitter. Criteria: Invitae Variant Classification Sherloc (09022015). Collection method: clinical testing. Allele origin: germline.
Comment: This sequence change falls in intron 16 of the NEBL gene. It does not directly change the encoded amino acid sequence of the NEBL protein. It affects a nucleotide within the consensus splice site. This variant is not present in population databases (gnomAD no frequency). This variant has not been reported in the literature in individuals affected with NEBL-related conditions. ClinVar contains an entry for this variant (Variation ID: 454264). Variants that disrupt the consensus splice site are a relatively common cause of aberrant splicing (PMID: 17576681, 9536098). Algorithms developed to predict the effect of sequence changes on RNA splicing suggest that this variant is not likely to affect RNA splicing. In summary, the available evidence is currently insufficient to determine the role of this variant in disease. Therefore, it has been classified as a Variant of Uncertain Significance.

Literature cited by the submitters: PubMed 17576681; PubMed 9536098.

NM_006393.3(NEBL):c.1672-3T>C

Gene: NEBL (nebulette; minus strand). Cytogenetic location: 10p12.31.
Variant type: single nucleotide variant.
Coding change: c.1672-3T>C on transcript NM_006393.3 (MANE Select); 3 bases into the intron before coding-DNA position 1672, T replaced by C.
Molecular consequence: intron variant.
Genome position (GRCh38, 1-based): chr10:20,828,637, A>G on the plus strand (T>C on the coding strand, the complement: NEBL is on the minus strand). VCF-style: chr10-20828637-A-G. GRCh37 (hg19) VCF-style: chr10-21117566-A-G.
Other names: c.250-15697T>C (NM_001377326.1, NM_001377327.1, NM_001377328.1); c.358-15697T>C (NM_213569.2, NM_001173484.2, NM_001377322.1); c.301-15697T>C (NM_001377324.1); c.292-15697T>C (NM_001377325.1); c.310-15697T>C (NM_001377323.1).
Identifiers: ClinVar variation 454264 (VCV000454264.9), dbSNP rs1554779376, ClinGen allele CA658657954.